The following is an entry in ClinVar:

NM_013266.4(CTNNA3):c.2455G>A (p.Val819Met)

Gene: CTNNA3 (catenin alpha 3; minus strand). Cytogenetic location: 10q21.3.
Variant type: single nucleotide variant.
Coding change: c.2455G>A on transcript NM_013266.4 (MANE Select); coding-DNA position 2455, G replaced by A.
Protein change: p.Val819Met; replaces valine 819 with methionine.
Molecular consequence: missense variant.
Genome position (GRCh38, 1-based): chr10:65,920,563, C>T on the plus strand (G>A on the coding strand, the complement: CTNNA3 is on the minus strand). VCF-style: chr10-65920563-C-T. GRCh37 (hg19) VCF-style: chr10-67680321-C-T.
Other names: c.2455G>A, p.Val819Met (NM_001127384.3); short protein forms V819M.
Identifiers: ClinVar variation 1362638 (VCV001362638.6), dbSNP rs1239218750, ClinGen allele CA377089072.
Genomic context (GRCh38, chr10:65,920,563, plus strand): 5'-CAGGACTCTGGATTCGGATGATCTTGGTTGAGGCAATGTAAGACATTTTCACTGTTTGCA[C>T]TACAGCATTCATTAAATTTTTGGCTGCTTGGATCAGGGATGTGACACTGTCCAACTGTAG-3'
Protein context (NP_037398.2, residues 809-829): QAAKNLMNAV[Val819Met]QTVKMSYIAS

ClinVar aggregate classification (germline): Uncertain significance (1 of 4 stars; one submission).

Conditions:
Arrhythmogenic right ventricular dysplasia 13. Also called: Arrhythmogenic right ventricular dysplasia, familial, 13; ARRHYTHMOGENIC RIGHT VENTRICULAR CARDIOMYOPATHY 13. Identifiers: MedGen C3810138, MONDO:0000908, OMIM 615616.

Allele frequency attached by ClinVar (database versions not stated): gnomAD 0.00001; gnomAD exomes 0.00001; TOPMed 0.00002.
gnomAD v4.1: 15 of 1,614,020 alleles (0.00093%); highest among the groups gnomAD compares: African/African-American, 0.0027%; no homozygotes.

Submission:

Labcorp Genetics (formerly Invitae), Labcorp
Classification: Uncertain significance for Arrhythmogenic right ventricular dysplasia 13. Last evaluated: 2022-10-13. Review status: criteria provided, single submitter. Criteria: Invitae Variant Classification Sherloc (09022015). Collection method: clinical testing. Allele origin: germline.
Comment: This sequence change replaces valine, which is neutral and non-polar, with methionine, which is neutral and non-polar, at codon 819 of the CTNNA3 protein (p.Val819Met). In summary, the available evidence is currently insufficient to determine the role of this variant in disease. Therefore, it has been classified as a Variant of Uncertain Significance. Advanced modeling of protein sequence and biophysical properties (such as structural, functional, and spatial information, amino acid conservation, physicochemical variation, residue mobility, and thermodynamic stability) performed at Invitae indicates that this missense variant is expected to disrupt CTNNA3 protein function. ClinVar contains an entry for this variant (Variation ID: 1362638). This variant has not been reported in the literature in individuals affected with CTNNA3-related conditions. This variant is not present in population databases (gnomAD no frequency).